The following is an entry in ClinVar:

NM_000712.4(BLVRA):c.660A>G (p.Gly220=)

Gene: BLVRA (biliverdin reductase A; plus strand). Cytogenetic location: 7p13.
Variant type: single nucleotide variant.
Coding change: c.660A>G on transcript NM_000712.4 (MANE Select); coding-DNA position 660, A replaced by G.
Protein change: p.Gly220=; no amino-acid change (glycine 220 retained).
Molecular consequence: synonymous variant.
Genome position (GRCh38, 1-based): chr7:43,807,004, A>G. VCF-style: chr7-43807004-A-G. GRCh37 (hg19) VCF-style: chr7-43846603-A-G.
Other names: c.660A>G, p.Gly220= (NM_001253823.2); c.660A>G (NM_000712.3).
Identifiers: ClinVar variation 1992567 (VCV001992567.6), dbSNP rs7738, ClinGen allele CA4234175.

ClinVar aggregate classification (germline): Benign. Review status: criteria provided, single submitter (1 of 4 stars). 2 submissions from 2 submitters: Benign (1). 1 of the submissions does not count toward it. Last evaluated 2026-02-03.

Conditions:
BLVRA-related disorder. Also called: BLVRA-related condition.

Allele frequency attached by ClinVar (database versions not stated): gnomAD exomes 0.38420; ExAC 0.41991; ESP Exome Variant Server 0.42926; gnomAD 0.43239; TOPMed 0.43459; 1000 Genomes Project 0.47504; 1000 Genomes Project 30x 0.47064.
gnomAD v4.1: 628,911 of 1,613,470 alleles (39%); highest among the groups gnomAD compares: African/African-American, 55%; 125,940 homozygotes.

Submissions (2):

Labcorp Genetics (formerly Invitae), Labcorp
Classification: Benign. Last evaluated: 2026-02-03. Review status: criteria provided, single submitter. Criteria: Invitae Variant Classification Sherloc (09022015). Collection method: clinical testing. Allele origin: germline.

PreventionGenetics, part of Exact Sciences
Classification: Benign for BLVRA-related condition. Last evaluated: 2019-09-24. Review status: no assertion criteria provided. Collection method: clinical testing. Allele origin: germline. Not counted in ClinVar's aggregate classification.
Comment: This variant is classified as benign based on ACMG/AMP sequence variant interpretation guidelines (Richards et al. 2015 PMID: 25741868, with internal and published modifications).